The following is an entry in ClinVar:

NM_001042492.3(NF1):c.5268+4del

Gene: NF1 (neurofibromin 1; plus strand). Cytogenetic location: 17q11.2.
Variant type: Deletion.
Coding change: c.5268+4del on transcript NM_001042492.3 (MANE Select); 4 bases into the intron after coding-DNA position 5268, one base deleted (A; older notation c.5268+4delA).
Molecular consequence: intron variant.
Genome position (GRCh38, 1-based): chr17:31,326,256, A deleted; the last of 2 consecutive A bases (chr17:31,326,255-31,326,256); deleting either gives the same sequence. VCF-style (leftmost placement, unchanged base first): chr17-31326254-TA-T. GRCh37 (hg19) VCF-style: chr17-29653272-TA-T.
Other names: c.5205+4del (NM_000267.4).
Identifiers: ClinVar variation 1425644 (VCV001425644.6), dbSNP rs2151539144, ClinGen allele CA2573153389.

ClinVar aggregate classification (germline): Pathogenic (1 of 4 stars; one submission).

Conditions:
Neurofibromatosis, type 1 (NF1). Also called: VON RECKLINGHAUSEN DISEASE; NEUROFIBROMATOSIS, TYPE I, SOMATIC; Neurofibromatosis, type I; Peripheral type neurofibromatosis. Identifiers: Orphanet 636, MedGen C0027831, MONDO:0018975, OMIM 162200. Disease mechanism: loss of function.

Submission:

Labcorp Genetics (formerly Invitae), Labcorp
Classification: Pathogenic for Neurofibromatosis, type 1. Last evaluated: 2021-08-02. Review status: criteria provided, single submitter. Criteria: Invitae Variant Classification Sherloc (09022015). Collection method: clinical testing. Allele origin: germline.
Comment: This sequence change falls in intron 36 of the NF1 gene. It does not directly change the encoded amino acid sequence of the NF1 protein. It affects a nucleotide within the consensus splice site of the intron. For these reasons, this variant has been classified as Pathogenic. Nucleotide substitutions within the consensus splice site are a relatively common cause of aberrant splicing (PMID: 17576681, 9536098). Algorithms developed to predict the effect of sequence changes on RNA splicing suggest that this variant may disrupt the consensus splice site. This variant has been observed in individual(s) with neurofibromatosis type 1 (Invitae). In at least one individual the variant was observed to be de novo. This variant is not present in population databases (ExAC no frequency).

Literature cited by the submitters: PubMed 17576681; PubMed 9536098.